The following is an entry in ClinVar:

ClinVar aggregate classification (germline): Uncertain significance (1 of 4 stars; one submission).

Conditions:
Hereditary diffuse gastric adenocarcinoma (HDGC). Also called: DIFFUSE GASTRIC AND LOBULAR BREAST CANCER SYNDROME. Identifiers: Orphanet 26106, MedGen C1708349, MONDO:0007648, OMIM 137215.

Submission:

Labcorp Genetics (formerly Invitae), Labcorp
Classification: Uncertain significance for Hereditary diffuse gastric adenocarcinoma. Last evaluated: 2018-05-22. Review status: criteria provided, single submitter. Criteria: Invitae Variant Classification Sherloc (09022015). Collection method: clinical testing. Allele origin: germline.
Comment: This variant has not been reported in the literature in individuals with CDH1-related disease. Algorithms developed to predict the effect of missense changes on protein structure and function are either unavailable or do not agree on the potential impact of this missense change (SIFT: "Tolerated"; PolyPhen-2: "Probably Damaging"; Align-GVGD: "Class C0"). In summary, the available evidence is currently insufficient to determine the role of this variant in disease. Therefore, it has been classified as a Variant of Uncertain Significance. This sequence change replaces leucine with isoleucine at codon 669 of the CDH1 protein (p.Leu669Ile). The leucine residue is highly conserved and there is a small physicochemical difference between leucine and isoleucine. This variant is not present in population databases (ExAC no frequency).

NM_004360.5(CDH1):c.2005C>A (p.Leu669Ile)

Gene: CDH1 (cadherin 1; plus strand). Cytogenetic location: 16q22.1.
Variant type: single nucleotide variant.
Coding change: c.2005C>A on transcript NM_004360.5 (MANE Select); coding-DNA position 2005, C replaced by A.
Protein change: p.Leu669Ile; replaces leucine 669 with isoleucine.
Molecular consequence: missense variant.
Genome position (GRCh38, 1-based): chr16:68,823,467, C>A. VCF-style: chr16-68823467-C-A. GRCh37 (hg19) VCF-style: chr16-68857370-C-A.
Other names: c.1822C>A, p.Leu608Ile (NM_001317184.2); c.457C>A, p.Leu153Ile (NM_001317185.2); c.40C>A, p.Leu14Ile (NM_001317186.2); c.2005C>A (LRG_301t1); short protein forms L669I, L608I, L153I, L14I.
Identifiers: ClinVar variation 578297 (VCV000578297.9), dbSNP rs1490366214, ClinGen allele CA396467647.
Genomic context (GRCh38, chr16:68,823,467, plus strand): 5'-TCTATCATTTTGAAGCCAAAGATGGCCTTAGAGGTGGGTGACTACAAAATCAATCTCAAG[C>A]TCATGGATAACCAGAATAAAGACCAAGTGACCACCTTAGAGGTCAGCGTGTGTGACTGTG-3'
Protein context (NP_004351.1, residues 659-679): EVGDYKINLK[Leu669Ile]MDNQNKDQVT